The following is an entry in ClinVar:

ClinVar aggregate classification (germline): Conflicting classifications of pathogenicity. Review status: criteria provided, conflicting classifications (1 of 4 stars). 5 submissions from 5 submitters: Likely pathogenic (2); Uncertain significance (3). Last evaluated 2025-12-12.

Conditions:
MYO15A-related disorder. Also called: MYO15A-related condition.
Autosomal recessive nonsyndromic hearing loss 3. Also called: NEUROSENSORY NONSYNDROMIC RECESSIVE DEAFNESS 3. Identifiers: Orphanet 90636, MedGen C1838263, MONDO:0010860, OMIM 600316.

Allele frequency attached by ClinVar (database versions not stated): ExAC 0.00003; gnomAD 0.00003; gnomAD exomes 0.00003; TOPMed 0.00003.
gnomAD v4.1: 44 of 1,607,286 alleles (0.0027%); highest among the groups gnomAD compares: Non-Finnish European, 0.0036%; no homozygotes.

Submissions (5):

PreventionGenetics, part of Exact Sciences
Classification: Uncertain significance for MYO15A-related condition. Last evaluated: 2025-12-12. Review status: criteria provided, single submitter. Criteria: ACMG Guidelines, 2015. Collection method: clinical testing. Allele origin: germline.
Comment: The MYO15A c.6845A>G variant is predicted to result in the amino acid substitution p.Tyr2282Cys. This variant was reported along with second MYO15A variant in an individual with hearing loss (Plevova et al. 2017. PubMed ID: 28984810). This variant is reported in 0.0066% of alleles in individuals of European (Non-Finnish) descent in gnomAD. Although we suspect that this variant may be pathogenic, at this time, the clinical significance of this variant is uncertain due to the absence of conclusive functional and genetic evidence.

Human Genetics Bochum, Ruhr University Bochum
Classification: Likely pathogenic for Autosomal recessive nonsyndromic hearing loss 3. Last evaluated: 2025-10-10. Review status: criteria provided, single submitter. Criteria: ACMG Guidelines, 2015. Collection method: clinical testing. Allele origin: germline. Affected: yes.
Comment: in compound heterozygous state with c.6178-1G>A; ACMG criteria used to clasify this variant: PM3, PP3_MOD, PS4_SUP, PM2_SUP

Women's Health and Genetics/Laboratory Corporation of America, LabCorp
Classification: Uncertain significance. Last evaluated: 2025-09-09. Review status: criteria provided, single submitter. Criteria: LabCorp Variant Classification Summary - May 2015. Collection method: clinical testing. Allele origin: germline.
Comment: Variant summary: MYO15A c.6845A>G (p.Tyr2282Cys) results in a non-conservative amino acid change in the encoded protein sequence. Algorithms developed to predict the effect of missense changes on protein structure and function all suggest that this variant is likely to be disruptive. The variant allele was found at a frequency of 2.1e-05 in 234816 control chromosomes. The available data on variant occurrences in the general population are insufficient to allow any conclusion about variant significance. c.6845A>G has been observed in a compound heterozygous individual affected with Autosomal Recessive Nonsyndromic Hearing Loss 3 (Plevova_2017). These data do not allow any conclusion about variant significance. To our knowledge, no experimental evidence demonstrating an impact on protein function has been reported. The following publications have been ascertained in the context of this evaluation (PMID: 28984810, 30953472). ClinVar contains an entry for this variant (Variation ID: 2152277). Based on the evidence outlined above, the variant was classified as uncertain significance.

GeneDx
Classification: Likely pathogenic. Last evaluated: 2024-01-25. Review status: criteria provided, single submitter. Criteria: GeneDx Variant Classification Process June 2021. Collection method: clinical testing. Allele origin: germline. Affected: yes.
Comment: Not observed at significant frequency in large population cohorts (gnomAD); In silico analysis supports that this missense variant has a deleterious effect on protein structure/function; This variant is associated with the following publications: (PMID: 28984810)

Labcorp Genetics (formerly Invitae), Labcorp
Classification: Uncertain significance. Last evaluated: 2021-12-02. Review status: criteria provided, single submitter. Criteria: Invitae Variant Classification Sherloc (09022015). Collection method: clinical testing. Allele origin: germline.
Comment: This sequence change replaces tyrosine, which is neutral and polar, with cysteine, which is neutral and slightly polar, at codon 2282 of the MYO15A protein (p.Tyr2282Cys). This variant is present in population databases (rs760771756, gnomAD 0.007%). This missense change has been observed in individual(s) with bilateral sensorineural hearing loss (PMID: 28984810). Algorithms developed to predict the effect of missense changes on protein structure and function are either unavailable or do not agree on the potential impact of this missense change (SIFT: "Deleterious"; PolyPhen-2: "Not Available"; Align-GVGD: "Class C0"). In summary, the available evidence is currently insufficient to determine the role of this variant in disease. Therefore, it has been classified as a Variant of Uncertain Significance.

Literature cited by the submitters: PubMed 30953472 (cited by Women's Health and Genetics/Laboratory Corporation of America, LabCorp); PubMed 28984810 (cited by Women's Health and Genetics/Laboratory Corporation of America, LabCorp and Labcorp Genetics (formerly Invitae), Labcorp).

NM_016239.4(MYO15A):c.6845A>G (p.Tyr2282Cys)

Gene: MYO15A (myosin XVA; plus strand). Cytogenetic location: 17p11.2.
Variant type: single nucleotide variant.
Coding change: c.6845A>G on transcript NM_016239.4 (MANE Select); coding-DNA position 6845, A replaced by G.
Protein change: p.Tyr2282Cys; replaces tyrosine 2282 with cysteine.
Molecular consequence: missense variant.
Genome position (GRCh38, 1-based): chr17:18,148,841, A>G. VCF-style: chr17-18148841-A-G. GRCh37 (hg19) VCF-style: chr17-18052155-A-G.
Other names: c.6845A>G (NM_016239.3); short protein forms Y2282C.
Identifiers: ClinVar variation 2152277 (VCV002152277.5), dbSNP rs760771756, ClinGen allele CA8424682.